The following is an entry in ClinVar:

ClinVar aggregate classification (germline): Pathogenic. Review status: criteria provided, multiple submitters, no conflicts (2 of 4 stars). 2 submissions from 2 submitters: Pathogenic (2). Last evaluated 2023-12-30.

Submissions (2):

Labcorp Genetics (formerly Invitae), Labcorp
Classification: Pathogenic. Last evaluated: 2023-12-30. Review status: criteria provided, single submitter. Criteria: Invitae Variant Classification Sherloc (09022015). Collection method: clinical testing. Allele origin: germline.
Comment: This sequence change creates a premature translational stop signal (p.Ser315Valfs*27) in the HNF1A gene. It is expected to result in an absent or disrupted protein product. Loss-of-function variants in HNF1A are known to be pathogenic (PMID: 15928245, 18003757). This variant is not present in population databases (gnomAD no frequency). This variant has not been reported in the literature in individuals affected with HNF1A-related conditions. For these reasons, this variant has been classified as Pathogenic.

ARUP Laboratories, Molecular Genetics and Genomics, ARUP Laboratories
Classification: Pathogenic. Last evaluated: 2023-01-06. Review status: criteria provided, single submitter. Criteria: ARUP Molecular Germline Variant Investigation Process 2024. Collection method: clinical testing. Allele origin: germline.
Comment: The HNF1A c.942delC; p.Ser315ValfsTer27 variant, to our knowledge, is not reported in the medical literature or gene specific databases. This variant is also absent from the Genome Aggregation Database, indicating it is not a common polymorphism. This variant causes a frameshift by deleting a single nucleotide, so it is predicted to result in a truncated protein or mRNA subject to nonsense-mediated decay. Based on available information, this variant is considered to be pathogenic.

Literature cited by the submitters: PubMed 15928245 (cited by Labcorp Genetics (formerly Invitae), Labcorp); PubMed 18003757 (cited by Labcorp Genetics (formerly Invitae), Labcorp).

NM_000545.8(HNF1A):c.942del (p.Ser315fs)

Gene: HNF1A (HNF1 homeobox A; plus strand). Cytogenetic location: 12q24.31.
Variant type: Deletion.
Coding change: c.942del on transcript NM_000545.8 (MANE Select); coding-DNA position 942, one base deleted (C; older notation c.942delC).
Protein change: p.Ser315fs; shifts the reading frame from serine 315.
Molecular consequence: frameshift variant.
Genome position (GRCh38, 1-based): chr12:120,994,392, C deleted; the last of 5 consecutive C bases (chr12:120,994,388-120,994,392); deleting any one gives the same sequence. VCF-style (leftmost placement, unchanged base first): chr12-120994387-TC-T. GRCh37 (hg19) VCF-style: chr12-121432190-TC-T.
Other names: c.942del, p.Ser315fs (NM_001306179.2, NM_001406915.1); short protein forms S315fs.
Identifiers: ClinVar variation 2706463 (VCV002706463.4), dbSNP rs2499998274, ClinGen allele CA2621383927.